The following is an entry in ClinVar:

NM_152416.4(NDUFAF6):c.222A>G (p.Leu74=)

Gene: NDUFAF6 (NADH:ubiquinone oxidoreductase complex assembly factor 6; plus strand). Cytogenetic location: 8q22.1.
Variant type: single nucleotide variant.
Coding change: c.222A>G on transcript NM_152416.4 (MANE Select); coding-DNA position 222, A replaced by G.
Protein change: p.Leu74=; no amino-acid change (leucine 74 retained).
Molecular consequence: synonymous variant. On other transcripts: 5 prime UTR variant (17), non-coding transcript variant (6), intron variant (1).
Genome position (GRCh38, 1-based): chr8:95,032,019, A>G. VCF-style: chr8-95032019-A-G. GRCh37 (hg19) VCF-style: chr8-96044247-A-G.
Other names: c.-59A>G (NM_001330582.2, NM_001354514.2, NM_001354515.2 and 1 more transcripts); c.66A>G, p.Leu22= (NM_001354516.2); c.-231A>G (NM_001354518.2); c.-227A>G (NM_001354519.2); c.-359A>G (NM_001354522.2, NM_001354529.2); c.-432A>G (NM_001354524.2, NM_001354525.2); c.-576A>G (NM_001354527.2); c.-547A>G (NM_001354528.2); and 6 more.
Identifiers: ClinVar variation 386033 (VCV000386033.29), dbSNP rs116102145, ClinGen allele CA4814708.

ClinVar aggregate classification (germline): Benign/Likely benign. Review status: criteria provided, multiple submitters, no conflicts (2 of 4 stars). 4 submissions from 4 submitters: Benign (1); Likely benign (3). Last evaluated 2025-12-17.

Allele frequency attached by ClinVar (database versions not stated): ESP Exome Variant Server 0.00185; gnomAD 0.00193 and 0.00180; gnomAD exomes 0.00021 and 0.00049; ExAC 0.00053; 1000 Genomes Project 30x 0.00172; 1000 Genomes Project 0.00180; TOPMed 0.00182.
gnomAD v4.1: 581 of 1,614,008 alleles (0.036%); highest among the groups gnomAD compares: African/African-American, 0.69%; 6 homozygotes.

Submissions (4):

Labcorp Genetics (formerly Invitae), Labcorp
Classification: Benign. Last evaluated: 2025-12-17. Review status: criteria provided, single submitter. Criteria: Invitae Variant Classification Sherloc (09022015). Collection method: clinical testing. Allele origin: germline.

Blueprint Genetics
Classification: Likely benign. Last evaluated: 2024-08-21. Review status: criteria provided, single submitter. Criteria: ACMG Guidelines, 2015. Collection method: clinical testing. Allele origin: germline.

CeGaT Center for Human Genetics Tuebingen
Classification: Likely benign. Last evaluated: 2024-07-01. Review status: criteria provided, single submitter. Criteria: CeGaT Center For Human Genetics Tuebingen Variant Classification Criteria Version 2. Collection method: clinical testing. Allele origin: germline. Affected: yes. Observed: 1 variant allele.
Comment: NDUFAF6: BP4, BP7, BS2

GeneDx
Classification: Likely benign. Last evaluated: 2019-04-16. Review status: criteria provided, single submitter. Criteria: GeneDx Variant Classification Process June 2021. Collection method: clinical testing. Allele origin: germline. Affected: yes.